The following is an entry in ClinVar:

NM_015346.4(ZFYVE26):c.2717G>A (p.Arg906His)

Gene: ZFYVE26 (zinc finger FYVE-type containing 26; minus strand). Cytogenetic location: 14q24.1.
Variant type: single nucleotide variant.
Coding change: c.2717G>A on transcript NM_015346.4 (MANE Select); coding-DNA position 2717, G replaced by A.
Protein change: p.Arg906His; replaces arginine 906 with histidine.
Molecular consequence: missense variant.
Genome position (GRCh38, 1-based): chr14:67,790,610, C>T on the plus strand (G>A on the coding strand, the complement: ZFYVE26 is on the minus strand). VCF-style: chr14-67790610-C-T. GRCh37 (hg19) VCF-style: chr14-68257327-C-T.
Other names: short protein forms R906H.
Identifiers: ClinVar variation 4738962 (VCV004738962.1).

ClinVar aggregate classification (germline): Uncertain significance (1 of 4 stars; one submission).

Conditions:
Spastic paraplegia. Identifiers: MedGen C0037772, HP:0001258.

gnomAD v4.1: 16 of 1,613,906 alleles (0.00099%); highest among the groups gnomAD compares: African/African-American, 0.0053%; no homozygotes.

Submission:

Labcorp Genetics (formerly Invitae), Labcorp
Classification: Uncertain significance for Spastic paraplegia. Last evaluated: 2025-03-31. Review status: criteria provided, single submitter. Criteria: Invitae Variant Classification Sherloc (09022015). Collection method: clinical testing. Allele origin: germline.
Comment: This sequence change replaces arginine, which is basic and polar, with histidine, which is basic and polar, at codon 906 of the ZFYVE26 protein (p.Arg906His). This variant is present in population databases (rs759513333, gnomAD 0.006%). This variant has not been reported in the literature in individuals affected with ZFYVE26-related conditions. An algorithm developed to predict the effect of missense changes on protein structure and function (PolyPhen-2) suggests that this variant is likely to be disruptive. In summary, the available evidence is currently insufficient to determine the role of this variant in disease. Therefore, it has been classified as a Variant of Uncertain Significance.